The following is an entry in ClinVar:

ClinVar aggregate classification (germline): Pathogenic (1 of 4 stars; one submission).

Submission:

Labcorp Genetics (formerly Invitae), Labcorp
Classification: Pathogenic. Last evaluated: 2024-09-09. Review status: criteria provided, single submitter. Criteria: Invitae Variant Classification Sherloc (09022015). Collection method: clinical testing. Allele origin: germline.
Comment: This sequence change creates a premature translational stop signal (p.Asp633Valfs*11) in the ERCC6 gene. It is expected to result in an absent or disrupted protein product. Loss-of-function variants in ERCC6 are known to be pathogenic (PMID: 18628313, 29572252). This variant is not present in population databases (gnomAD no frequency). This variant has not been reported in the literature in individuals affected with ERCC6-related conditions. For these reasons, this variant has been classified as Pathogenic.

Literature cited by the submitters: PubMed 18628313; PubMed 29572252.

NM_000124.4(ERCC6):c.1898del (p.Asp633fs)

Gene: ERCC6 (ERCC excision repair 6, chromatin remodeling factor; minus strand). Cytogenetic location: 10q11.23.
Variant type: Deletion.
Coding change: c.1898del on transcript NM_000124.4 (MANE Select); coding-DNA position 1898, one base deleted (A; older notation c.1898delA).
Protein change: p.Asp633fs; shifts the reading frame from aspartic acid 633.
Molecular consequence: frameshift variant.
Genome position (GRCh38, 1-based): chr10:49,483,440, T deleted on the plus strand (A on the coding strand, the reverse complement: ERCC6 is on the minus strand). VCF-style (leftmost placement, unchanged base first): chr10-49483439-AT-A. GRCh37 (hg19) VCF-style: chr10-50691485-AT-A.
Other names: c.1898del, p.Asp633fs (NM_001346440.2); short protein forms D633fs.
Identifiers: ClinVar variation 3706311 (VCV003706311.2).